The following is an entry in ClinVar:

ClinVar aggregate classification (germline): Conflicting classifications of pathogenicity. Review status: criteria provided, conflicting classifications (1 of 4 stars). 2 submissions from 2 submitters: Uncertain significance (1); Likely benign (1). Last evaluated 2023-03-23.

Conditions:
Hereditary breast ovarian cancer syndrome. Also called: Hereditary breast and ovarian cancer syndrome (HBOC); Breast and ovarian cancer; Hereditary breast and ovarian cancer syndrome; Hereditary breast and/or ovarian cancer syndrome; BRCA1- and BRCA2-Associated Hereditary Breast and Ovarian Cancer; Hereditary breast and ovarian cancer. Identifiers: Orphanet 145, MedGen C0677776, MeSH D061325, MONDO:0003582. Disease mechanism: loss of function.
Hereditary cancer-predisposing syndrome. Also called: Hereditary Cancer Syndrome; Tumor predisposition; Hereditary neoplastic syndrome; Neoplastic Syndromes, Hereditary. Identifiers: Orphanet 140162, MedGen C0027672, MeSH D009386, MONDO:0015356.

Allele frequency attached by ClinVar (database versions not stated): gnomAD exomes below 0.00001; ExAC 0.00001.
gnomAD v4.1: 1 of 1,613,892 alleles (0.000062%); no homozygotes.

Submissions (2):

University of Washington Department of Laboratory Medicine, University of Washington
Classification: Likely benign for Hereditary cancer-predisposing syndrome. Last evaluated: 2023-03-23. Review status: criteria provided, single submitter. Criteria: Dines et al. (Genet Med. 2020). Collection method: curation. Allele origin: germline.
Comment: Missense variant in a coldspot region where missense variants are very unlikely to be pathogenic (PMID:31911673).

BRCA1 coldspot (exon 11 using historical exon numbering). Reclassification based on statistical prior probability

Labcorp Genetics (formerly Invitae), Labcorp
Classification: Uncertain significance for Hereditary breast ovarian cancer syndrome. Last evaluated: 2021-07-24. Review status: criteria provided, single submitter. Criteria: Invitae Variant Classification Sherloc (09022015). Collection method: clinical testing. Allele origin: germline.
Comment: This sequence change replaces isoleucine with asparagine at codon 783 of the BRCA1 protein (p.Ile783Asn). The isoleucine residue is moderately conserved and there is a large physicochemical difference between isoleucine and asparagine. This variant is present in population databases (rs562370358, ExAC 0.001%). In summary, the available evidence is currently insufficient to determine the role of this variant in disease. Therefore, it has been classified as a Variant of Uncertain Significance. Algorithms developed to predict the effect of sequence changes on RNA splicing suggest that this variant may create or strengthen a splice site. Advanced modeling of protein sequence and biophysical properties (such as structural, functional, and spatial information, amino acid conservation, physicochemical variation, residue mobility, and thermodynamic stability) performed at Invitae indicates that this missense variant is not expected to disrupt BRCA1 protein function. This variant has not been reported in the literature in individuals affected with BRCA1-related conditions.

NM_007294.4(BRCA1):c.2348T>A (p.Ile783Asn)

Gene: BRCA1 (BRCA1 DNA repair associated; minus strand). Cytogenetic location: 17q21.31.
Variant type: single nucleotide variant.
Coding change: c.2348T>A on transcript NM_007294.4 (MANE Select); coding-DNA position 2348, T replaced by A.
Protein change: p.Ile783Asn; replaces isoleucine 783 with asparagine.
Molecular consequence: missense variant. On other transcripts: intron variant (137).
Genome position (GRCh38, 1-based): chr17:43,093,183, A>T on the plus strand (T>A on the coding strand, the complement: BRCA1 is on the minus strand). VCF-style: chr17-43093183-A-T. GRCh37 (hg19) VCF-style: chr17-41245200-A-T.
Other names: c.2135T>A, p.Ile712Asn (NM_001407571.1, NM_001407853.1, NM_001407894.1 and 9 more transcripts); c.2348T>A, p.Ile783Asn (NM_001407581.1, NM_001407582.1, NM_001407583.1 and 30 more transcripts); c.652+1561T>A (NM_001408451.1); c.643+1561T>A (NM_001408464.1, NM_001408468.1, NM_001408465.1 and 3 more transcripts); c.523+1561T>A (NM_001408498.1, NM_001408501.1, NM_001408500.1 and 3 more transcripts); c.646+1561T>A (NM_001408467.1, NM_001408459.1, NM_001408455.1 and 11 more transcripts); c.583+1561T>A (NM_001408475.1); c.709+1561T>A (NM_001408412.1, NM_001408409.1, NM_001408414.1 and 2 more transcripts); and 41 more; short protein forms I736N, I783N, I712N, I715N, I735N, I757N, I782N, I487N.
Identifiers: ClinVar variation 1418291 (VCV001418291.11), dbSNP rs562370358, ClinGen allele CA058639.
Genomic context (GRCh38, chr17:43,093,183, plus strand): 5'-CTCACACATTTATTTGGTTCTGTTTTTGCCTTCCCTAGAGTGCTAACTTCCAGTAACGAG[A>T]TACTTTCCTGAGTGCCATAATCAGTACCAGGTACCAATGAAATACTGCTACTCTCTACAG-3'
Protein context (NP_009225.1, residues 773-793): PGTDYGTQES[Ile783Asn]SLLEVSTLGK